The following is an entry in ClinVar:

NM_006017.3(PROM1):c.116C>A (p.Thr39Lys)

Gene: PROM1 (prominin 1; minus strand). Cytogenetic location: 4p15.32.
Variant type: single nucleotide variant.
Coding change: c.116C>A on transcript NM_006017.3 (MANE Select); coding-DNA position 116, C replaced by A.
Protein change: p.Thr39Lys; replaces threonine 39 with lysine.
Molecular consequence: missense variant.
Genome position (GRCh38, 1-based): chr4:16,075,791, G>T on the plus strand (C>A on the coding strand, the complement: PROM1 is on the minus strand). VCF-style: chr4-16075791-G-T. GRCh37 (hg19) VCF-style: chr4-16077414-G-T.
Other names: c.116C>A, p.Thr39Lys (NM_001145847.2, NM_001145848.2, NM_001145849.2 and 6 more transcripts); short protein forms T39K.
Identifiers: ClinVar variation 1392474 (VCV001392474.9), dbSNP rs371982287, ClinGen allele CA2867189.

ClinVar aggregate classification (germline): Uncertain significance. Review status: criteria provided, multiple submitters, no conflicts (2 of 4 stars). 2 submissions from 2 submitters: Uncertain significance (2). Last evaluated 2022-03-19.

Allele frequency attached by ClinVar (database versions not stated): gnomAD exomes below 0.00001 and 0.00001; ExAC 0.00002; gnomAD 0.00003; TOPMed 0.00006; ESP Exome Variant Server 0.00008.
gnomAD v4.1: 7 of 1,613,662 alleles (0.00043%); highest among the groups gnomAD compares: African/African-American, 0.0093%; no homozygotes.

Submissions (2):

Labcorp Genetics (formerly Invitae), Labcorp
Classification: Uncertain significance. Last evaluated: 2022-03-19. Review status: criteria provided, single submitter. Criteria: Invitae Variant Classification Sherloc (09022015). Collection method: clinical testing. Allele origin: germline.
Comment: This sequence change replaces threonine, which is neutral and polar, with lysine, which is basic and polar, at codon 39 of the PROM1 protein (p.Thr39Lys). This variant is present in population databases (rs371982287, gnomAD 0.02%). This variant has not been reported in the literature in individuals affected with PROM1-related conditions. Algorithms developed to predict the effect of missense changes on protein structure and function (SIFT, PolyPhen-2, Align-GVGD) all suggest that this variant is likely to be tolerated. In summary, the available evidence is currently insufficient to determine the role of this variant in disease. Therefore, it has been classified as a Variant of Uncertain Significance.

Blueprint Genetics
Classification: Uncertain significance. Last evaluated: 2021-07-05. Review status: criteria provided, single submitter. Criteria: ACMG Guidelines, 2015. Collection method: clinical testing. Allele origin: germline.